The following is an entry in ClinVar:

ClinVar aggregate classification (germline): Uncertain significance (1 of 4 stars; one submission).

Submission:

Labcorp Genetics (formerly Invitae), Labcorp
Classification: Uncertain significance. Last evaluated: 2024-05-04. Review status: criteria provided, single submitter. Criteria: Invitae Variant Classification Sherloc (09022015). Collection method: clinical testing. Allele origin: germline.
Comment: This sequence change affects codon 182 of the SOX11 mRNA. It is a 'silent' change, meaning that it does not change the encoded amino acid sequence of the SOX11 protein. This variant is not present in population databases (gnomAD no frequency). This variant has not been reported in the literature in individuals affected with SOX11-related conditions. In summary, the available evidence is currently insufficient to determine the role of this variant in disease. Therefore, it has been classified as a Variant of Uncertain Significance.

NM_003108.4(SOX11):c.546G>A (p.Ala182=)

Gene: SOX11 (SRY-box transcription factor 11; plus strand). Cytogenetic location: 2p25.2.
Variant type: single nucleotide variant.
Coding change: c.546G>A on transcript NM_003108.4 (MANE Select); coding-DNA position 546, G replaced by A.
Protein change: p.Ala182=; no amino-acid change (alanine 182 retained).
Molecular consequence: synonymous variant.
Genome position (GRCh38, 1-based): chr2:5,693,267, G>A. VCF-style: chr2-5693267-G-A. GRCh37 (hg19) VCF-style: chr2-5833399-G-A.
Identifiers: ClinVar variation 3671767 (VCV003671767.2).